The following is an entry in ClinVar:

ClinVar aggregate classification (germline): Uncertain significance (1 of 4 stars; one submission).

gnomAD v4.1: 4 of 1,613,884 alleles (0.00025%); highest among the groups gnomAD compares: Non-Finnish European, 0.00034%; no homozygotes.

Submission:

GeneDx
Classification: Uncertain significance. Last evaluated: 2025-05-08. Review status: criteria provided, single submitter. Criteria: GeneDx Variant Classification Process June 2021. Collection method: clinical testing. Allele origin: germline. Affected: yes.
Comment: Not observed at significant frequency in large population cohorts (gnomAD); In silico analysis suggests that this missense variant does not alter protein structure/function; Has not been previously published as pathogenic or benign to our knowledge

NM_020778.5(ALPK3):c.1132C>A (p.Pro378Thr)

Gene: ALPK3 (alpha kinase 3; plus strand). Cytogenetic location: 15q25.3.
Variant type: single nucleotide variant.
Coding change: c.1132C>A on transcript NM_020778.5 (MANE Select); coding-DNA position 1132, C replaced by A.
Protein change: p.Pro378Thr; replaces proline 378 with threonine.
Molecular consequence: missense variant.
Genome position (GRCh38, 1-based): chr15:84,840,411, C>A. VCF-style: chr15-84840411-C-A. GRCh37 (hg19) VCF-style: chr15-85383642-C-A.
Other names: short protein forms P378T.
Identifiers: ClinVar variation 4528192 (VCV004528192.1).